The following is an entry in ClinVar:

NM_003185.4(TAF4):c.2263C>A (p.Pro755Thr)

Gene: TAF4 (TATA-box binding protein associated factor 4; minus strand). Cytogenetic location: 20q13.33.
Variant type: single nucleotide variant.
Coding change: c.2263C>A on transcript NM_003185.4 (MANE Select); coding-DNA position 2263, C replaced by A.
Protein change: p.Pro755Thr; replaces proline 755 with threonine.
Molecular consequence: missense variant.
Genome position (GRCh38, 1-based): chr20:62,003,839, G>T on the plus strand (C>A on the coding strand, the complement: TAF4 is on the minus strand). VCF-style: chr20-62003839-G-T. GRCh37 (hg19) VCF-style: chr20-60578895-G-T.
Other names: short protein forms P755T.
Identifiers: ClinVar variation 3339469 (VCV003339469.1).

ClinVar aggregate classification (germline): Uncertain significance (1 of 4 stars; one submission).

gnomAD v4.1: 6 of 1,597,222 alleles (0.00038%); highest among the groups gnomAD compares: African/African-American, 0.004%; no homozygotes.

Submission:

Women's Health and Genetics/Laboratory Corporation of America, LabCorp
Classification: Uncertain significance. Last evaluated: 2024-07-17. Review status: criteria provided, single submitter. Criteria: LabCorp Variant Classification Summary - May 2015. Collection method: clinical testing. Allele origin: germline.
Comment: Variant summary: TAF4 c.2263C>A (p.Pro755Thr) results in a non-conservative amino acid change in the encoded protein sequence. Three of five in-silico tools predict a damaging effect of the variant on protein function. The variant allele was found at a frequency of 8.5e-06 in 236132 control chromosomes. The available data on variant occurrences in the general population are insufficient to allow any conclusion about variant significance. To our knowledge, no occurrence of c.2263C>A in individuals affected with Intellectual Developmental Disorder, Autosomal Dominant 73 and no experimental evidence demonstrating its impact on protein function have been reported. No submitters have cited clinical-significance assessments for this variant to ClinVar. Based on the evidence outlined above, the variant was classified as uncertain significance.